The following is an entry in ClinVar:

NM_016188.5(ACTL6B):c.699C>T (p.Asn233=)

Gene: ACTL6B (actin like 6B; minus strand). Cytogenetic location: 7q22.1.
Variant type: single nucleotide variant.
Coding change: c.699C>T on transcript NM_016188.5 (MANE Select); coding-DNA position 699, C replaced by T.
Protein change: p.Asn233=; no amino-acid change (asparagine 233 retained).
Molecular consequence: synonymous variant. On other transcripts: non-coding transcript variant (1).
Genome position (GRCh38, 1-based): chr7:100,647,504, G>A on the plus strand (C>T on the coding strand, the complement: ACTL6B is on the minus strand). VCF-style: chr7-100647504-G-A. GRCh37 (hg19) VCF-style: chr7-100245127-G-A.
Identifiers: ClinVar variation 2571288 (VCV002571288.28), dbSNP rs140422470, ClinGen allele CA4387176.

ClinVar aggregate classification (germline): Likely benign. Review status: criteria provided, multiple submitters, no conflicts (2 of 4 stars). 2 submissions from 2 submitters: Likely benign (2). Last evaluated 2026-07-01.

Allele frequency attached by ClinVar (database versions not stated): 1000 Genomes Project 30x 0.00016; 1000 Genomes Project 0.00020; ExAC 0.00056; gnomAD 0.00066; TOPMed 0.00085; gnomAD exomes 0.00088; ESP Exome Variant Server 0.00100.
gnomAD v4.1: 1,374 of 1,609,146 alleles (0.085%); highest among the groups gnomAD compares: Middle Eastern, 0.6%; 1 homozygote.

Submissions (2):

CeGaT Center for Human Genetics Tuebingen
Classification: Likely benign. Last evaluated: 2026-07-01. Review status: criteria provided, single submitter. Criteria: CeGaT Center For Human Genetics Tuebingen Variant Classification Criteria Version 2. Collection method: clinical testing. Allele origin: germline. Affected: yes. Observed: 8 variant alleles.
Comment: ACTL6B: BP4, BP7

Blueprint Genetics
Classification: Likely benign. Last evaluated: 2024-10-03. Review status: criteria provided, single submitter. Criteria: ACMG Guidelines, 2015. Collection method: clinical testing. Allele origin: germline.